The following is an entry in ClinVar:

ClinVar aggregate classification (germline): Pathogenic (1 of 4 stars; one submission).

Conditions:
ERCC2-related disorder. Also called: ERCC2-related conditions; ERCC2-related condition; ERCC2-related disorders. Identifiers: MedGen CN239291.

Submission:

Myriad Genetics, Inc.
Classification: Pathogenic for ERCC2-related disorder. Last evaluated: 2025-05-14. Review status: criteria provided, single submitter. Criteria: Myriad Autosomal Dominant, Autosomal Recessive and X-Linked Classification Criteria (2023). Collection method: clinical testing. Allele origin: unknown.
Comment: NM_000400.3(ERCC2):c.412_419dup8(Y141Qfs*43) is expected to be pathogenic in the context of ERCC2-related disorders. This variant is predicted to lead to an abnormal or absent protein product due to the creation of a premature termination codon in ERCC2, a gene where loss-of-function variants are known to be pathogenic. Please note: this variant was assessed in the context of healthy population screening.

NM_000400.4(ERCC2):c.412_419dup (p.Tyr141fs)

Gene: ERCC2 (ERCC excision repair 2, TFIIH core complex helicase subunit; minus strand). Cytogenetic location: 19q13.32.
Variant type: Microsatellite.
Coding change: c.412_419dup on transcript NM_000400.4 (MANE Select); coding-DNA positions 412 to 419, 8 bases duplicated (ACAGCCTC; older notation c.412_419dupACAGCCTC).
Protein change: p.Tyr141fs; shifts the reading frame from tyrosine 141.
Molecular consequence: frameshift variant. On other transcripts: non-coding transcript variant (3).
Genome position (GRCh38, 1-based): chr19:45,365,100-45,365,107, GAGGCTGT duplicated on the plus strand (ACAGCCTC on the coding strand, the reverse complement: ERCC2 is on the minus strand); duplicating any 8 consecutive bases within chr19:45,365,100-45,365,116 gives the same sequence; the c. name uses the placement nearest the transcript's 3' end. VCF-style (leftmost placement, unchanged base first): chr19-45365099-G-GGAGGCTGT. GRCh37 (hg19) VCF-style: chr19-45868357-G-GGAGGCTGT.
Other names: c.340_347dup, p.Tyr117fs (NM_001130867.2, NM_001440355.1); c.334_341dup, p.Tyr115fs (NM_001440356.1); c.289_296dup, p.Tyr100fs (NM_001440357.1); short protein forms Y100fs, Y115fs, Y117fs, Y141fs.
Identifiers: ClinVar variation 5014439 (VCV005014439.1).
Genomic context (GRCh38, chr19:45,365,099, plus strand): 5'-AACCTCATAGAATCGGCAGTGGGGCAGGCTGGTGTCATGCTGGTACTGCGCCCGCACATA[G>GGAGGCTGT]GAGGCTGTGAGGCTGTGGCATTTCCCATCGACGTCCTTCCCAAAGCGCAGGGGTGTCACC-3'